The following is an entry in ClinVar:

NM_000051.4(ATM):c.2617G>T (p.Gly873Ter)

Gene: ATM (ATM serine/threonine kinase; plus strand). Cytogenetic location: 11q22.3.
Variant type: single nucleotide variant.
Coding change: c.2617G>T on transcript NM_000051.4 (MANE Select); coding-DNA position 2617, G replaced by T.
Protein change: p.Gly873Ter; replaces glycine 873 with a stop codon.
Molecular consequence: nonsense.
Genome position (GRCh38, 1-based): chr11:108,267,321, G>T. VCF-style: chr11-108267321-G-T. GRCh37 (hg19) VCF-style: chr11-108138048-G-T.
Other names: c.2617G>T, p.Gly873Ter (NM_001351834.2); short protein forms G873*.
Identifiers: ClinVar variation 3148058 (VCV003148058.3), dbSNP rs2081312339, ClinGen allele CA382544233.

ClinVar aggregate classification (germline): Pathogenic/Likely pathogenic. Review status: criteria provided, multiple submitters, no conflicts (2 of 4 stars). 3 submissions from 3 submitters: Pathogenic (2); Likely pathogenic (1). Last evaluated 2025-02-07.

Conditions:
Familial cancer of breast. Also called: Hereditary breast cancer; BREAST CANCER, FAMILIAL; hereditary breast carcinoma. Identifiers: Orphanet 227535, MedGen C0346153, MONDO:0016419, OMIM 114480. Disease mechanism: loss of function.
Ataxia-telangiectasia syndrome (AT). Also called: Ataxia telangiectasia (A-T); Ataxia-telangiectasia, complementation group D; Ataxia-telangiectasia, complementation group E; LOUIS-BAR SYNDROME; Cerebello-oculocutaneous telangiectasia; Immunodeficiency with ataxia telangiectasia. Identifiers: Orphanet 100, MedGen C0004135, MONDO:0008840, OMIM 208900.
Hereditary cancer-predisposing syndrome. Also called: Tumor predisposition; Hereditary Cancer Syndrome; Hereditary neoplastic syndrome; Neoplastic Syndromes, Hereditary. Identifiers: Orphanet 140162, MedGen C0027672, MeSH D009386, MONDO:0015356.

Submissions (3):

Ambry Genetics
Classification: Pathogenic for Hereditary cancer-predisposing syndrome. Last evaluated: 2025-02-07. Review status: criteria provided, single submitter. Criteria: Ambry Variant Classification Scheme 2023. Collection method: clinical testing. Allele origin: germline.
Comment: The p.G873* pathogenic mutation (also known as c.2617G>T), located in coding exon 16 of the ATM gene, results from a G to T substitution at nucleotide position 2617. This changes the amino acid from a glycine to a stop codon within coding exon 16. This variant is considered to be rare based on population cohorts in the Genome Aggregation Database (gnomAD). This alteration is expected to result in loss of function by premature protein truncation or nonsense-mediated mRNA decay. As such, this alteration is interpreted as a disease-causing mutation.

Natera, Inc.
Classification: Likely pathogenic for Ataxia-telangiectasia. Last evaluated: 2024-11-12. Review status: criteria provided, single submitter. Criteria: Natera Variant Classification Schema (03/2026). Collection method: clinical testing. Allele origin: germline.
Comment: The c.2617G>T variant in ATM is a nonsense variant predicted to introduce a stop codon at amino acid 873. This variant is expected to result in nonsense mediated decay, truncation, or a dysfunctional protein product. This variant is rare in the general population with a frequency below the threshold expected for the associated phenotype(s). Given the available evidence, this variant is classified as Likely Pathogenic.

Myriad Genetics, Inc.
Classification: Pathogenic for Familial cancer of breast. Last evaluated: 2024-01-18. Review status: criteria provided, single submitter. Criteria: Myriad Autosomal Dominant, Autosomal Recessive and X-Linked Classification Criteria (2023). Collection method: clinical testing. Allele origin: unknown.
Comment: This variant is considered pathogenic. This variant creates a termination codon and is predicted to result in premature protein truncation.